The following is an entry in ClinVar:

NM_006642.5(SDCCAG8):c.675+274C>T

Gene: SDCCAG8 (SHH signaling and ciliogenesis regulator SDCCAG8; plus strand). Cytogenetic location: 1q43.
Variant type: single nucleotide variant.
Coding change: c.675+274C>T on transcript NM_006642.5 (MANE Select); 274 bases into the intron after coding-DNA position 675, C replaced by T.
Molecular consequence: intron variant. On other transcripts: missense variant (1), 5 prime UTR variant (1).
Genome position (GRCh38, 1-based): chr1:243,293,493, C>T. VCF-style: chr1-243293493-C-T. GRCh37 (hg19) VCF-style: chr1-243456795-C-T.
Other names: c.770C>T, p.Ser257Leu (NM_001350248.2); c.-604C>T (NM_001350251.2); c.381+274C>T (NM_001350249.2); c.-438+274C>T (NM_001350246.2); c.-326+274C>T (NM_001350247.2); short protein forms S257L.
Identifiers: ClinVar variation 4977945 (VCV004977945.1).

ClinVar aggregate classification (germline): Uncertain significance (1 of 4 stars; one submission).

Conditions:
SDCCAG8-related disorder. Also called: SDCCAG8-Related Disorders; SDCCAG8-related condition.

gnomAD v4.1: 10 of 574,168 alleles (0.0017%); highest among the groups gnomAD compares: East Asian, 0.012%; no homozygotes.

Submission:

PreventionGenetics, part of Exact Sciences
Classification: Uncertain significance for SDCCAG8-related condition. Last evaluated: 2026-06-01. Review status: criteria provided, single submitter. Criteria: ACMG Guidelines, 2015. Collection method: clinical testing. Allele origin: germline.
Comment: The SDCCAG8 c.770C>T variant is predicted to result in the amino acid substitution p.Ser257Leu. This variant is referred to as c.675+274C>T (intronic) with the primary transcript NM_006642.3. To our knowledge, this variant has not been reported in the literature. This variant is reported in 0.0094% of alleles in individuals of East Asian descent in gnomAD. At this time, the clinical significance of this variant is uncertain due to the absence of conclusive functional and genetic evidence.